The following is an entry in ClinVar:

ClinVar aggregate classification (germline): Uncertain significance (1 of 4 stars; one submission).

Conditions:
Polycystic kidney disease, adult type (PKD1). Also called: POLYCYSTIC KIDNEY DISEASE 1 WITH OR WITHOUT POLYCYSTIC LIVER DISEASE; Polycystic Kidney Disease 1, Autosomal Dominant; Polycystic kidney disease 1; Polycystic kidney disease 1, severe; Polycystic Kidney, Autosomal Dominant; POLYCYSTIC KIDNEY DISEASE, ADULT, TYPE I. Identifiers: MedGen C3149841, MONDO:0008263, OMIM 173900.

Submission:

Cavalleri Lab, Royal College of Surgeons in Ireland
Classification: Uncertain significance for Polycystic kidney disease, adult type. Last evaluated: 2020-02-05. Review status: criteria provided, single submitter. Criteria: ACMG Guidelines, 2015. Collection method: research. Allele origin: unknown. Inheritance: Autosomal dominant inheritance. Affected: yes.
Comment: PM2, PP4, PP5

NM_001009944.3(PKD1):c.6739G>C (p.Ala2247Pro)

Gene: PKD1 (polycystin 1, transient receptor potential channel interacting; minus strand). Cytogenetic location: 16p13.3.
Variant type: single nucleotide variant.
Coding change: c.6739G>C on transcript NM_001009944.3 (MANE Select); coding-DNA position 6739, G replaced by C.
Protein change: p.Ala2247Pro; replaces alanine 2247 with proline.
Molecular consequence: missense variant.
Genome position (GRCh38, 1-based): chr16:2,108,428, C>G on the plus strand (G>C on the coding strand, the complement: PKD1 is on the minus strand). VCF-style: chr16-2108428-C-G. GRCh37 (hg19) VCF-style: chr16-2158429-C-G.
Other names: c.6739G>C, p.Ala2247Pro (NM_000296.4); short protein forms A2247P.
Identifiers: ClinVar variation 873347 (VCV000873347.1), dbSNP rs749515571, ClinGen allele CA394372981.